The following is an entry in ClinVar:

NM_001079802.2(FKTN):c.563A>G (p.His188Arg)

Gene: FKTN (fukutin; plus strand). Cytogenetic location: 9q31.2.
Variant type: single nucleotide variant.
Coding change: c.563A>G on transcript NM_001079802.2 (MANE Select); coding-DNA position 563, A replaced by G.
Protein change: p.His188Arg; replaces histidine 188 with arginine.
Molecular consequence: missense variant. On other transcripts: non-coding transcript variant (2).
Genome position (GRCh38, 1-based): chr9:105,604,408, A>G. VCF-style: chr9-105604408-A-G. GRCh37 (hg19) VCF-style: chr9-108366689-A-G.
Other names: c.563A>G, p.His188Arg (NM_001198963.2, NM_001351496.2, NM_001351498.2 and 1 more transcripts); c.494A>G, p.His165Arg (NM_001351497.2); c.167A>G, p.His56Arg (NM_001351499.2, NM_001351500.2, NM_001351501.2 and 1 more transcripts); short protein forms H56R, H188R, H165R.
Identifiers: ClinVar variation 1464909 (VCV001464909.8), dbSNP rs1828484638, ClinGen allele CA374332263.
Genomic context (GRCh38, chr9:105,604,408, plus strand): 5'-CTCATGCGATCCACTTGGTAGTCTTTCATGAGAGGAGTGGCAACTACCTCTGGCACGGCC[A>G]CTTGAGACTTAAAGAACACATTGACAGGAAATTTGTTCCCTTCCGAAAGTTACAGTTTGG-3'
Protein context (NP_001073270.1, residues 178-198): ERSGNYLWHG[His188Arg]LRLKEHIDRK

ClinVar aggregate classification (germline): Uncertain significance (1 of 4 stars; one submission).

Conditions:
Walker-Warburg congenital muscular dystrophy. Also called: Muscular dystrophy-dystroglycanopathy, type A; Walker-Warburg syndrome. Identifiers: Orphanet 899, MedGen C0265221, MONDO:0000171.

Allele frequency attached by ClinVar (database versions not stated): gnomAD exomes below 0.00001.

Submission:

Labcorp Genetics (formerly Invitae), Labcorp
Classification: Uncertain significance for Walker-Warburg congenital muscular dystrophy. Last evaluated: 2021-06-21. Review status: criteria provided, single submitter. Criteria: Invitae Variant Classification Sherloc (09022015). Collection method: clinical testing. Allele origin: germline.
Comment: This sequence change replaces histidine with arginine at codon 188 of the FKTN protein (p.His188Arg). The histidine residue is moderately conserved and there is a small physicochemical difference between histidine and arginine. This variant has not been reported in the literature in individuals with FKTN-related conditions. This variant is not present in population databases (ExAC no frequency). Algorithms developed to predict the effect of missense changes on protein structure and function output the following: SIFT: "Tolerated"; PolyPhen-2: "Benign"; Align-GVGD: "Class C0". The arginine amino acid residue is found in multiple mammalian species, suggesting that this missense change does not adversely affect protein function. These predictions have not been confirmed by published functional studies and their clinical significance is uncertain. In summary, the available evidence is currently insufficient to determine the role of this variant in disease. Therefore, it has been classified as a Variant of Uncertain Significance.